The following is an entry in ClinVar:

NM_000346.4(SOX9):c.59_82del (p.Gly20_Ser27del)

Genes: SOX9 (SRY-box transcription factor 9; plus strand), LOC108021846 (SOX9 promoter region; plus strand). Cytogenetic location: 17q24.3.
Variant type: Deletion.
Coding change: c.59_82del on transcript NM_000346.4 (MANE Select); coding-DNA positions 59 to 82, 24 bases deleted (GCGCCCCCAGCCCCACCATGTCCG).
Protein change: p.Gly20_Ser27del.
Molecular consequence: inframe deletion.
Genome position (GRCh38, 1-based): chr17:72,121,450-72,121,473, GCGCCCCCAGCCCCACCATGTCCG deleted; deleting any 24 consecutive bases within chr17:72,121,444-72,121,473 gives the same sequence; the c. name uses the placement nearest the transcript's 3' end. VCF-style (leftmost placement, unchanged base first): chr17-72121443-CTGTCCGGCGCCCCCAGCCCCACCA-C. GRCh37 (hg19) VCF-style: chr17-70117584-CTGTCCGGCGCCCCCAGCCCCACCA-C.
Identifiers: ClinVar variation 4884140 (VCV004884140.2).

ClinVar aggregate classification (germline): Uncertain significance (1 of 4 stars; one submission).

Submission:

Dasa
Classification: Uncertain significance. Last evaluated: 2025-12-29. Review status: criteria provided, single submitter. Criteria: DASA Assertion Criteria. Collection method: clinical testing. Allele origin: germline.
Comment: NM_000346.4(SOX9):c.59_82del (p.Gly20_Ser27del) is an in-frame deletion predicted to remove amino acids from glycine at protein position 20 through serine at protein position 27 without shifting the reading frame. This variant is absent from population databases. The currently available literature and clinical evidence are not sufficient to establish a definitive association between this variant and the reported condition. Therefore, this variant is classified as a variant of uncertain significance.